The following is an entry in ClinVar:

ClinVar aggregate classification (germline): Uncertain significance (1 of 4 stars; one submission).

Conditions:
Perlman syndrome (PRLMNS). Identifiers: Orphanet 2849, MedGen C0796113, MONDO:0009965, OMIM 267000.

gnomAD v4.1: 1 of 1,614,164 alleles (0.000062%); highest among the groups gnomAD compares: East Asian, 0.0022%; no homozygotes.

Submission:

Labcorp Genetics (formerly Invitae), Labcorp
Classification: Uncertain significance for Perlman syndrome. Last evaluated: 2023-04-07. Review status: criteria provided, single submitter. Criteria: Invitae Variant Classification Sherloc (09022015). Collection method: clinical testing. Allele origin: germline.
Comment: In summary, the available evidence is currently insufficient to determine the role of this variant in disease. Therefore, it has been classified as a Variant of Uncertain Significance. Advanced modeling of protein sequence and biophysical properties (such as structural, functional, and spatial information, amino acid conservation, physicochemical variation, residue mobility, and thermodynamic stability) performed at Invitae indicates that this missense variant is not expected to disrupt DIS3L2 protein function. This variant has not been reported in the literature in individuals affected with DIS3L2-related conditions. This variant is present in population databases (no rsID available, gnomAD 0.006%). This sequence change replaces histidine, which is basic and polar, with leucine, which is neutral and non-polar, at codon 526 of the DIS3L2 protein (p.His526Leu).

NM_152383.5(DIS3L2):c.1577A>T (p.His526Leu)

Gene: DIS3L2 (DIS3 like 3'-5' exoribonuclease 2; plus strand). Cytogenetic location: 2q37.1.
Variant type: single nucleotide variant.
Coding change: c.1577A>T on transcript NM_152383.5 (MANE Select); coding-DNA position 1577, A replaced by T.
Protein change: p.His526Leu; replaces histidine 526 with leucine.
Molecular consequence: missense variant. On other transcripts: non-coding transcript variant (2).
Genome position (GRCh38, 1-based): chr2:232,263,358, A>T. VCF-style: chr2-232263358-A-T. GRCh37 (hg19) VCF-style: chr2-233128068-A-T.
Other names: c.1577A>T, p.His526Leu (NM_001257281.2); short protein forms H526L.
Identifiers: ClinVar variation 2808743 (VCV002808743.3), dbSNP rs749646487, ClinGen allele CA350975564.